The following is an entry in ClinVar:

ClinVar aggregate classification (germline): Likely pathogenic. Review status: criteria provided, multiple submitters, no conflicts (2 of 4 stars). 2 submissions from 2 submitters: Likely pathogenic (2). Last evaluated 2022-09-05.

Conditions:
Arrhythmogenic right ventricular dysplasia 10. Also called: ARRHYTHMOGENIC RIGHT VENTRICULAR DYSPLASIA, FAMILIAL, 10; Arrhythmogenic Right Ventricular Dysplasia/Cardiomyopathy10; Arrhythmogenic right ventricular dysplasia/cardiomyopathy, type 10. Identifiers: MedGen C1857777, MONDO:0012434, OMIM 610193.

Submissions (2):

Labcorp Genetics (formerly Invitae), Labcorp
Classification: Likely pathogenic for Arrhythmogenic right ventricular dysplasia 10. Last evaluated: 2022-09-05. Review status: criteria provided, single submitter. Criteria: Invitae Variant Classification Sherloc (09022015). Collection method: clinical testing. Allele origin: germline.
Comment: In summary, the currently available evidence indicates that the variant is pathogenic, but additional data are needed to prove that conclusively. Therefore, this variant has been classified as Likely Pathogenic. Algorithms developed to predict the effect of sequence changes on RNA splicing suggest that this variant may disrupt the consensus splice site. ClinVar contains an entry for this variant (Variation ID: 1301518). This variant has not been reported in the literature in individuals affected with DSG2-related conditions. This variant is not present in population databases (gnomAD no frequency). This sequence change affects an acceptor splice site in intron 7 of the DSG2 gene. It is expected to disrupt RNA splicing. Variants that disrupt the donor or acceptor splice site typically lead to a loss of protein function (PMID: 16199547), and loss-of-function variants in DSG2 are known to be pathogenic (PMID: 17105751, 31386562).

GeneDx
Classification: Likely pathogenic. Last evaluated: 2021-04-20. Review status: criteria provided, single submitter. Criteria: GeneDx Variant Classification Process June 2021. Collection method: clinical testing. Allele origin: germline. Affected: yes.
Comment: Has not been previously published as pathogenic or benign to our knowledge; Not observed in large population cohorts (Lek et al., 2016); Canonical splice site variant expected to result in aberrant splicing, although in the absence of functional evidence the actual effect of this sequence change is unknown.

Literature cited by the submitters: PubMed 16199547 (cited by Labcorp Genetics (formerly Invitae), Labcorp); PubMed 17105751 (cited by Labcorp Genetics (formerly Invitae), Labcorp); PubMed 31386562 (cited by Labcorp Genetics (formerly Invitae), Labcorp).

NM_001943.5(DSG2):c.829-2A>T

Gene: DSG2 (desmoglein 2; plus strand). Cytogenetic location: 18q12.1.
Variant type: single nucleotide variant.
Coding change: c.829-2A>T on transcript NM_001943.5 (MANE Select); the canonical splice acceptor site of the intron before coding-DNA position 829, A replaced by T.
Molecular consequence: splice acceptor variant.
Genome position (GRCh38, 1-based): chr18:31,524,701, A>T. VCF-style: chr18-31524701-A-T. GRCh37 (hg19) VCF-style: chr18-29104664-A-T.
Identifiers: ClinVar variation 1301518 (VCV001301518.6), dbSNP rs2144322548, ClinGen allele CA402135351.
Genomic context (GRCh38, chr18:31,524,701, plus strand): 5'-AAAAATATATCACTTATATTTGTATTTCATTGAAATAAAAATCATGTGTTCATGTTTTGC[A>T]GCTTGAAGGGATGGTTGAAGAAAATCAAGTCAACGTAGAAGTTACGCGCATAAAAGTGTT-3'